The following is an entry in ClinVar:

NC_000009.11:g.(?_27047252)_(27573526_?)dup

Genes: C9orf72 (C9orf72-SMCR8 complex subunit; minus strand), EQTN (equatorin; minus strand), IFT74 (intraflagellar transport 74; plus strand), MOB3B (MOB kinase activator 3B; minus strand), TEK (TEK receptor tyrosine kinase; plus strand). Cytogenetic location: 9p21.2.
Variant type: Duplication.
Identifiers: ClinVar variation 2423694 (VCV002423694.3).

ClinVar aggregate classification (germline): Uncertain significance (1 of 4 stars; one submission).

Submission:

Labcorp Genetics (formerly Invitae), Labcorp
Classification: Uncertain significance. Last evaluated: 2022-09-29. Review status: criteria provided, single submitter. Criteria: Invitae Variant Classification Sherloc (09022015). Collection method: clinical testing. Allele origin: germline.
Comment: This variant results in a copy number gain of the genomic region encompassing exon(s) 15-20 of the IFT74 gene. This region includes the termination codon of the gene. This copy number gain extends beyond the assayed region for this gene and therefore may encompass additional genes. As the precise location of this event is unknown, it may be in tandem or it may be located elsewhere in the genome. This variant has not been reported in the literature in individuals affected with IFT74-related conditions. In summary, the available evidence is currently insufficient to determine the role of this variant in disease. Therefore, it has been classified as a Variant of Uncertain Significance. Experimental studies and prediction algorithms are not available or were not evaluated, and the functional significance of this variant is currently unknown.